The following is an entry in ClinVar:

ClinVar aggregate classification (germline): Uncertain significance. Review status: criteria provided, multiple submitters, no conflicts (2 of 4 stars). 3 submissions from 3 submitters: Uncertain significance (3). Last evaluated 2025-08-01.

Conditions:
Inborn genetic diseases. Identifiers: MedGen C0950123, MeSH D030342.
Neuronopathy, distal hereditary motor, autosomal recessive 5. Also called: Spinal muscular atrophy, distal, autosomal recessive, 5; NEUROPATHY, DISTAL HEREDITARY MOTOR, AUTOSOMAL RECESSIVE 5; Young adult-onset distal hereditary motor neuropathy. Identifiers: Orphanet 314485, Orphanet 443950, MedGen C4749918, MONDO:0013947, OMIM 614881.

Allele frequency attached by ClinVar (database versions not stated): gnomAD exomes 0.00002 and 0.00003; TOPMed 0.00002; ExAC 0.00002; gnomAD 0.00001.
gnomAD v4.1: 41 of 1,614,060 alleles (0.0025%); highest among the groups gnomAD compares: Middle Eastern, 0.016%; no homozygotes.

Submissions (3):

Mayo Clinic Laboratories, Mayo Clinic
Classification: Uncertain significance. Last evaluated: 2025-08-01. Review status: criteria provided, single submitter. Criteria: ACMG Guidelines, 2015. Collection method: clinical testing. Allele origin: germline. Observed: 1 variant allele.
Comment: BP4, PM2_supporting

Labcorp Genetics (formerly Invitae), Labcorp
Classification: Uncertain significance for Neuronopathy, distal hereditary motor, autosomal recessive 5. Last evaluated: 2022-07-29. Review status: criteria provided, single submitter. Criteria: Invitae Variant Classification Sherloc (09022015). Collection method: clinical testing. Allele origin: germline.
Comment: This sequence change replaces arginine, which is basic and polar, with histidine, which is basic and polar, at codon 178 of the DNAJB2 protein (p.Arg178His). This variant is present in population databases (rs202123709, gnomAD 0.01%). This missense change has been observed in individual(s) with Charcot-Marie-Tooth disease (PMID: 32376792). ClinVar contains an entry for this variant (Variation ID: 1383465). Algorithms developed to predict the effect of missense changes on protein structure and function are either unavailable or do not agree on the potential impact of this missense change (SIFT: "Deleterious"; PolyPhen-2: "Probably Damaging"; Align-GVGD: "Class C0"). In summary, the available evidence is currently insufficient to determine the role of this variant in disease. Therefore, it has been classified as a Variant of Uncertain Significance.

Ambry Genetics
Classification: Uncertain significance for Inborn genetic diseases. Last evaluated: 2021-08-10. Review status: criteria provided, single submitter. Criteria: Ambry Variant Classification Scheme 2023. Collection method: clinical testing. Allele origin: germline.
Comment: The p.R178H variant (also known as c.533G>A), located in coding exon 6 of the DNAJB2 gene, results from a G to A substitution at nucleotide position 533. The arginine at codon 178 is replaced by histidine, an amino acid with highly similar properties. This amino acid position is conserved. In addition, this alteration is predicted to be tolerated by in silico analysis. Since supporting evidence is limited at this time, the clinical significance of this alteration remains unclear.

Literature cited by the submitters: PubMed 32376792 (cited by Mayo Clinic Laboratories, Mayo Clinic and Labcorp Genetics (formerly Invitae), Labcorp).

NM_006736.6(DNAJB2):c.533G>A (p.Arg178His)

Gene: DNAJB2 (DnaJ heat shock protein family (Hsp40) member B2; plus strand). Cytogenetic location: 2q35.
Variant type: single nucleotide variant.
Coding change: c.533G>A on transcript NM_006736.6 (MANE Select); coding-DNA position 533, G replaced by A.
Protein change: p.Arg178His; replaces arginine 178 with histidine.
Molecular consequence: missense variant.
Genome position (GRCh38, 1-based): chr2:219,283,220, G>A. VCF-style: chr2-219283220-G-A. GRCh37 (hg19) VCF-style: chr2-220147942-G-A.
Other names: p.Arg178His; c.533G>A, p.Arg178His (NM_001039550.2); short protein forms R178H.
Identifiers: ClinVar variation 1383465 (VCV001383465.8), dbSNP rs202123709, ClinGen allele CA2123021.